The following is an entry in ClinVar:

ClinVar aggregate classification (germline): Conflicting classifications of pathogenicity. Review status: criteria provided, conflicting classifications (1 of 4 stars). 4 submissions from 4 submitters: Uncertain significance (3); Likely benign (1). Last evaluated 2026-03-24.

Conditions:
Cardiovascular phenotype. Identifiers: MedGen CN230736.
Catecholaminergic polymorphic ventricular tachycardia 1. Also called: VENTRICULAR TACHYCARDIA, STRESS-INDUCED POLYMORPHIC 1; VENTRICULAR TACHYCARDIA, CATECHOLAMINERGIC POLYMORPHIC, 1, WITH OR WITHOUT ATRIAL DYSFUNCTION AND/OR DILATED CARDIOMYOPATHY; RYR2-Related Catecholaminergic Polymorphic Ventricular Tachycardia. Identifiers: Orphanet 3286, MedGen C1631597, MONDO:0011484, OMIM 604772.

Allele frequency attached by ClinVar (database versions not stated): gnomAD 0.00001; gnomAD exomes 0.00001 and below 0.00001; TOPMed below 0.00001; ExAC 0.00001.
gnomAD v4.1: 2 of 1,613,304 alleles (0.00012%); highest among the groups gnomAD compares: African/African-American, 0.0027%; no homozygotes.

Submissions (4):

GeneDx
Classification: Uncertain significance. Last evaluated: 2026-03-24. Review status: criteria provided, single submitter. Criteria: GeneDx Variant Classification Process June 2021. Collection method: clinical testing. Allele origin: germline.
Comment: Not observed at significant frequency in large population cohorts (gnomAD); In silico analysis supports that this missense variant has a deleterious effect on protein structure/function; Has not been previously published as pathogenic or benign to our knowledge; Located in one of the three hot-spot regions of the RYR2 gene, where the majority of pathogenic missense variants occur; This variant is associated with the following publications: (PMID: 19926015)

Labcorp Genetics (formerly Invitae), Labcorp
Classification: Likely benign for Catecholaminergic polymorphic ventricular tachycardia 1. Last evaluated: 2023-08-10. Review status: criteria provided, single submitter. Criteria: Invitae Variant Classification Sherloc (09022015). Collection method: clinical testing. Allele origin: germline.

Mayo Clinic Laboratories, Mayo Clinic
Classification: Uncertain significance. Last evaluated: 2021-02-18. Review status: criteria provided, single submitter. Criteria: ACMG Guidelines, 2015. Collection method: clinical testing. Allele origin: germline. Observed: 1 variant allele.

Ambry Genetics
Classification: Uncertain significance for Cardiovascular phenotype. Last evaluated: 2019-02-28. Review status: criteria provided, single submitter. Criteria: Ambry Variant Classification Scheme 2023. Collection method: clinical testing. Allele origin: germline.
Comment: The p.S4028L variant (also known as c.12083C>T), located in coding exon 90 of the RYR2 gene, results from a C to T substitution at nucleotide position 12083. The serine at codon 4028 is replaced by leucine, an amino acid with dissimilar properties. This amino acid position is well conserved in available vertebrate species. In addition, this alteration is predicted to be deleterious by in silico analysis. Since supporting evidence is limited at this time, the clinical significance of this alteration remains unclear.

NM_001035.3(RYR2):c.12083C>T (p.Ser4028Leu)

Gene: RYR2 (ryanodine receptor 2; plus strand). Cytogenetic location: 1q43.
Variant type: single nucleotide variant.
Coding change: c.12083C>T on transcript NM_001035.3 (MANE Select); coding-DNA position 12083, C replaced by T.
Protein change: p.Ser4028Leu; replaces serine 4028 with leucine.
Molecular consequence: missense variant.
Genome position (GRCh38, 1-based): chr1:237,783,795, C>T. VCF-style: chr1-237783795-C-T. GRCh37 (hg19) VCF-style: chr1-237947095-C-T.
Other names: c.12083C>T, p.Ser4028Leu (LRG_402t1); short protein forms S4028L.
Identifiers: ClinVar variation 296758 (VCV000296758.20), dbSNP rs779666612, ClinGen allele CA085122.
Genomic context (GRCh38, chr1:237,783,795, plus strand): 5'-ACAACGTGGAGATGATTCTCAAATTTTTTGACATGTTCTTAAAACTAAAGGATTTGACGT[C>T]GTCTGATACTTTTAAAGAATATGACCCCGATGGCAAGGGAGTCATTTCCAAGAGGGACTT-3'
Protein context (NP_001026.2, residues 4018-4038): DMFLKLKDLT[Ser4028Leu]SDTFKEYDPD